The following is an entry in ClinVar:

NM_080680.3(COL11A2):c.4383C>T (p.Pro1461=)

Gene: COL11A2 (collagen type XI alpha 2 chain; minus strand). Cytogenetic location: 6p21.32.
Variant type: single nucleotide variant.
Coding change: c.4383C>T on transcript NM_080680.3 (MANE Select); coding-DNA position 4383, C replaced by T.
Protein change: p.Pro1461=; no amino-acid change (proline 1461 retained).
Molecular consequence: synonymous variant.
Genome position (GRCh38, 1-based): chr6:33,166,522, G>A on the plus strand (C>T on the coding strand, the complement: COL11A2 is on the minus strand). VCF-style: chr6-33166522-G-A. GRCh37 (hg19) VCF-style: chr6-33134299-G-A.
Other names: c.4062C>T, p.Pro1354= (NM_080679.3); c.4125C>T, p.Pro1375= (NM_080681.3).
Identifiers: ClinVar variation 226537 (VCV000226537.43), dbSNP rs148262058, ClinGen allele CA3750117.

ClinVar aggregate classification (germline): Conflicting classifications of pathogenicity. Review status: criteria provided, conflicting classifications (1 of 4 stars). 8 submissions from 7 submitters: Uncertain significance (2); Benign (2); Likely benign (3). 1 of the submissions does not count toward it. Last evaluated 2026-03-01.

Conditions:
COL11A2-related disorder. Also called: COL11A2-related condition; COL11A2-related disorders.
Fibrochondrogenesis 2 (FBCG2). Identifiers: Orphanet 2021, MedGen C3281128, MONDO:0013795, OMIM 614524.
Otospondylomegaepiphyseal dysplasia, autosomal recessive (OSMEDB). Also called: Insley-Astley syndrome; CHONDRODYSTROPHY WITH SENSORINEURAL DEAFNESS. Identifiers: Orphanet 1427, MedGen CN034493, MONDO:0044206, OMIM 215150.

Allele frequency attached by ClinVar (database versions not stated): TOPMed 0.00039; 1000 Genomes Project 0.00040; ESP Exome Variant Server 0.00046; 1000 Genomes Project 30x 0.00047; gnomAD exomes 0.00088 and 0.00165; gnomAD 0.00150 and 0.00155; ExAC 0.00169.
gnomAD v4.1: 1,501 of 1,612,404 alleles (0.093%); highest among the groups gnomAD compares: Non-Finnish European, 0.059%; 3 homozygotes.

Submissions (8):

CeGaT Center for Human Genetics Tuebingen
Classification: Likely benign. Last evaluated: 2026-03-01. Review status: criteria provided, single submitter. Criteria: CeGaT Center For Human Genetics Tuebingen Variant Classification Criteria Version 2. Collection method: clinical testing. Allele origin: germline. Affected: yes. Observed: 5 variant alleles.
Comment: COL11A2: BP4, BP7

Labcorp Genetics (formerly Invitae), Labcorp
Classification: Benign. Last evaluated: 2026-02-01. Review status: criteria provided, single submitter. Criteria: Invitae Variant Classification Sherloc (09022015). Collection method: clinical testing. Allele origin: germline.

Blueprint Genetics
Classification: Likely benign. Last evaluated: 2024-11-17. Review status: criteria provided, single submitter. Criteria: ACMG Guidelines, 2015. Collection method: clinical testing. Allele origin: germline.

GeneDx
Classification: Likely benign. Last evaluated: 2021-06-04. Review status: criteria provided, single submitter. Criteria: GeneDx Variant Classification Process June 2021. Collection method: clinical testing. Allele origin: germline. Affected: yes.

Illumina Laboratory Services, Illumina
Classification: Uncertain significance for Fibrochondrogenesis 2. Last evaluated: 2018-01-13. Review status: criteria provided, single submitter. Criteria: ICSL Variant Classification Criteria 13 December 2019. Collection method: clinical testing. Allele origin: germline.

Illumina Laboratory Services, Illumina
Classification: Uncertain significance for Otospondylomegaepiphyseal dysplasia, autosomal recessive. Last evaluated: 2018-01-13. Review status: criteria provided, single submitter. Criteria: ICSL Variant Classification Criteria 13 December 2019. Collection method: clinical testing. Allele origin: germline.

Laboratory for Molecular Medicine, Mass General Brigham Personalized Medicine
Classification: Benign. Last evaluated: 2015-07-02. Review status: criteria provided, single submitter. Criteria: LMM Criteria. Collection method: clinical testing. Allele origin: germline. Observed: 3 variant alleles.
Comment: p.Pro1461Pro in Exon 60 of COL11A2: This variant is not expected to have clinica l significance because it does not alter an amino acid residue, is not located w ithin the splice consensus sequence, and has been identified in 1.4% (88/6428) o f Finnish chromosomes by the Exome Aggregation Consortium (ExAC; dbSNP rs148262058).

PreventionGenetics, part of Exact Sciences
Classification: Benign for COL11A2-related condition. Last evaluated: 2019-08-02. Review status: no assertion criteria provided. Collection method: clinical testing. Allele origin: germline. Not counted in ClinVar's aggregate classification.
Comment: This variant is classified as benign based on ACMG/AMP sequence variant interpretation guidelines (Richards et al. 2015 PMID: 25741868, with internal and published modifications).